The following is an entry in ClinVar:

ClinVar aggregate classification (germline): Benign/Likely benign. Review status: criteria provided, multiple submitters, no conflicts (2 of 4 stars). 2 submissions from 2 submitters: Benign (1); Likely benign (1). Last evaluated 2026-08-01.

Allele frequency attached by ClinVar (database versions not stated): gnomAD 0.00006 and 0.00025; TOPMed 0.00015; gnomAD exomes 0.00052 and 0.00118; ExAC 0.00129; 1000 Genomes Project 30x 0.00219; 1000 Genomes Project 0.00220.

Submissions (2):

CeGaT Center for Human Genetics Tuebingen
Classification: Likely benign. Last evaluated: 2026-08-01. Review status: criteria provided, single submitter. Criteria: CeGaT Center For Human Genetics Tuebingen Variant Classification Criteria Version 2. Collection method: clinical testing. Allele origin: germline. Affected: yes. Observed: 4 variant alleles.
Comment: DLL1: BP4, BP7, BS1

Labcorp Genetics (formerly Invitae), Labcorp
Classification: Benign. Last evaluated: 2025-11-17. Review status: criteria provided, single submitter. Criteria: Invitae Variant Classification Sherloc (09022015). Collection method: clinical testing. Allele origin: germline.

NM_005618.4(DLL1):c.1131C>T (p.Asn377=)

Gene: DLL1 (delta like canonical Notch ligand 1; minus strand). Cytogenetic location: 6q27.
Variant type: single nucleotide variant.
Coding change: c.1131C>T on transcript NM_005618.4 (MANE Select); coding-DNA position 1131, C replaced by T.
Protein change: p.Asn377=; no amino-acid change (asparagine 377 retained).
Molecular consequence: synonymous variant.
Genome position (GRCh38, 1-based): chr6:170,285,037, G>A on the plus strand (C>T on the coding strand, the complement: DLL1 is on the minus strand). VCF-style: chr6-170285037-G-A. GRCh37 (hg19) VCF-style: chr6-170594125-G-A.
Identifiers: ClinVar variation 738971 (VCV000738971.33), dbSNP rs371411758, ClinGen allele CA4106920.